The following is an entry in ClinVar:

NM_139057.4(ADAMTS17):c.223C>G (p.Arg75Gly)

Gene: ADAMTS17 (ADAM metallopeptidase with thrombospondin type 1 motif 17; minus strand). Cytogenetic location: 15q26.3.
Variant type: single nucleotide variant.
Coding change: c.223C>G on transcript NM_139057.4 (MANE Select); coding-DNA position 223, C replaced by G.
Protein change: p.Arg75Gly; replaces arginine 75 with glycine.
Molecular consequence: missense variant.
Genome position (GRCh38, 1-based): chr15:100,341,266, G>C on the plus strand (C>G on the coding strand, the complement: ADAMTS17 is on the minus strand). VCF-style: chr15-100341266-G-C. GRCh37 (hg19) VCF-style: chr15-100881471-G-C.
Other names: p.Arg75Gly; c.223C>G (NM_139057.2); short protein forms R75G.
Identifiers: ClinVar variation 1417041 (VCV001417041.5), dbSNP rs937324829, ClinGen allele CA275938174.

ClinVar aggregate classification (germline): Uncertain significance. Review status: criteria provided, multiple submitters, no conflicts (2 of 4 stars). 3 submissions from 3 submitters: Uncertain significance (3). Last evaluated 2024-06-11.

Conditions:
Inborn genetic diseases. Identifiers: MedGen C0950123, MeSH D030342.

Allele frequency attached by ClinVar (database versions not stated): gnomAD exomes 0.00009; 1000 Genomes Project 30x 0.00047.
gnomAD v4.1: 67 of 1,262,230 alleles (0.0053%); highest among the groups gnomAD compares: Middle Eastern, 0.031%; 1 homozygote.

Submissions (3):

Mayo Clinic Laboratories, Mayo Clinic
Classification: Uncertain significance. Last evaluated: 2024-06-11. Review status: criteria provided, single submitter. Criteria: ACMG Guidelines, 2015. Collection method: clinical testing. Allele origin: germline. Observed: 1 variant allele.
Comment: BP4

Labcorp Genetics (formerly Invitae), Labcorp
Classification: Uncertain significance. Last evaluated: 2022-08-19. Review status: criteria provided, single submitter. Criteria: Invitae Variant Classification Sherloc (09022015). Collection method: clinical testing. Allele origin: germline.
Comment: This sequence change replaces arginine, which is basic and polar, with glycine, which is neutral and non-polar, at codon 75 of the ADAMTS17 protein (p.Arg75Gly). This variant is present in population databases (no rsID available, gnomAD 0.02%). This variant has not been reported in the literature in individuals affected with ADAMTS17-related conditions. ClinVar contains an entry for this variant (Variation ID: 1417041). Algorithms developed to predict the effect of missense changes on protein structure and function output the following: SIFT: "Not Available"; PolyPhen-2: "Benign"; Align-GVGD: "Not Available". The glycine amino acid residue is found in multiple mammalian species, which suggests that this missense change does not adversely affect protein function. In summary, the available evidence is currently insufficient to determine the role of this variant in disease. Therefore, it has been classified as a Variant of Uncertain Significance.

Ambry Genetics
Classification: Uncertain significance for Inborn genetic diseases. Last evaluated: 2021-10-06. Review status: criteria provided, single submitter. Criteria: Ambry Variant Classification Scheme 2023. Collection method: clinical testing. Allele origin: germline.